The following is an entry in ClinVar:

ClinVar aggregate classification (germline): Benign (1 of 4 stars; one submission).

Allele frequency attached by ClinVar (database versions not stated): TOPMed 0.03779; 1000 Genomes Project 0.04153; 1000 Genomes Project 30x 0.04325.
gnomAD v4.1: 9,016 of 991,974 alleles (0.91%); highest among the groups gnomAD compares: African/African-American, 13%; 536 homozygotes.

Submission:

GeneDx
Classification: Benign. Last evaluated: 2018-06-19. Review status: criteria provided, single submitter. Criteria: GeneDx Variant Classification (06012015). Collection method: clinical testing. Allele origin: germline. Affected: yes.
Comment: This variant is considered likely benign or benign based on one or more of the following criteria: it is a conservative change, it occurs at a poorly conserved position in the protein, it is predicted to be benign by multiple in silico algorithms, and/or has population frequency not consistent with disease.

NM_000426.4(LAMA2):c.6275-102A>G

Gene: LAMA2 (laminin subunit alpha 2; plus strand). Cytogenetic location: 6q22.33.
Variant type: single nucleotide variant.
Coding change: c.6275-102A>G on transcript NM_000426.4 (MANE Select); 102 bases into the intron before coding-DNA position 6275, A replaced by G.
Molecular consequence: intron variant.
Genome position (GRCh38, 1-based): chr6:129,445,565, A>G. VCF-style: chr6-129445565-A-G. GRCh37 (hg19) VCF-style: chr6-129766710-A-G.
Other names: c.6275-102A>G (NM_001079823.2).
Identifiers: ClinVar variation 678282 (VCV000678282.1), dbSNP rs73775417, ClinGen allele CA146919317.
Genomic context (GRCh38, chr6:129,445,565, plus strand): 5'-AAAATATTGACATTTGCCATCACACATTTTGCTTTAGCTGTTATGGCCATGCTTTGTCAC[A>G]TTAATAAGATGAAATTGTTTGGTTAAGCATACTGCTATTCTAATTCTGTGTGTGCACGTG-3'